The following is an entry in ClinVar:

NM_017849.4(TMEM127):c.648_649dup (p.Asn217fs)

Gene: TMEM127 (transmembrane protein 127; minus strand). Cytogenetic location: 2q11.2.
Variant type: Microsatellite.
Coding change: c.648_649dup on transcript NM_017849.4 (MANE Select); coding-DNA positions 648 to 649, 2 bases duplicated (GA; older notation c.648_649dupGA).
Protein change: p.Asn217fs; shifts the reading frame from asparagine 217.
Molecular consequence: frameshift variant.
Genome position (GRCh38, 1-based): chr2:96,253,876-96,253,877, TC duplicated on the plus strand (GA on the coding strand, the reverse complement: TMEM127 is on the minus strand); duplicating any 2 consecutive bases within chr2:96,253,876-96,253,880 gives the same sequence; the c. name uses the placement nearest the transcript's 3' end. VCF-style (leftmost placement, unchanged base first): chr2-96253875-T-TTC. GRCh37 (hg19) VCF-style: chr2-96919613-T-TTC.
Other names: c.648_649dup, p.Asn217fs (NM_001193304.3); c.648_649dup (NM_017849.3); short protein forms N217fs.
Identifiers: ClinVar variation 1369578 (VCV001369578.7), dbSNP rs2104283140, ClinGen allele CA2580611362.

ClinVar aggregate classification (germline): Uncertain significance. Review status: criteria provided, multiple submitters, no conflicts (2 of 4 stars). 2 submissions from 2 submitters: Uncertain significance (2). Last evaluated 2024-05-22.

Conditions:
Hereditary pheochromocytoma and paraganglioma. Also called: Hereditary paragangliomas and pheochromocytomas; Hereditary Paraganglioma-Pheochromocytoma Syndromes; Hereditary pheochromocytoma-paraganglioma. Identifiers: Orphanet 29072, MedGen C4274332, MONDO:0017366.

Submissions (2):

GeneDx
Classification: Uncertain significance. Last evaluated: 2024-05-22. Review status: criteria provided, single submitter. Criteria: GeneDx Variant Classification Process June 2021. Collection method: clinical testing. Allele origin: germline. Affected: yes.
Comment: Not observed at significant frequency in large population cohorts (gnomAD); Frameshift variant predicted to result in abnormal protein length as the last 22 amino acids are replaced with 90 different amino acids; Has not been previously published as pathogenic or benign to our knowledge

Labcorp Genetics (formerly Invitae), Labcorp
Classification: Uncertain significance for Hereditary pheochromocytoma and paraganglioma. Last evaluated: 2022-01-27. Review status: criteria provided, single submitter. Criteria: Invitae Variant Classification Sherloc (09022015). Collection method: clinical testing. Allele origin: germline.
Comment: This sequence change results in a frameshift in the TMEM127 gene (p.Asn217Argfs*91). While this is not anticipated to result in nonsense mediated decay, it is expected to disrupt the last 22 amino acid(s) of the TMEM127 protein and extend the protein by 68 additional amino acid residues. This variant is not present in population databases (gnomAD no frequency). This variant has not been reported in the literature in individuals affected with TMEM127-related conditions. Experimental studies and prediction algorithms are not available or were not evaluated, and the functional significance of this variant is currently unknown. In summary, the available evidence is currently insufficient to determine the role of this variant in disease. Therefore, it has been classified as a Variant of Uncertain Significance.